The following is an entry in ClinVar:

NM_001024845.3(SLC6A9):c.-4C>T

Gene: SLC6A9 (solute carrier family 6 member 9; minus strand). Cytogenetic location: 1p34.1.
Variant type: single nucleotide variant.
Coding change: c.-4C>T on transcript NM_001024845.3 (MANE Select); 4 bases upstream of the start codon, C replaced by T.
Molecular consequence: 5 prime UTR variant.
Genome position (GRCh38, 1-based): chr1:44,024,281, G>A on the plus strand (C>T on the coding strand, the complement: SLC6A9 is on the minus strand). VCF-style: chr1-44024281-G-A. GRCh37 (hg19) VCF-style: chr1-44489953-G-A.
Other names: c.-48C>T (NM_001328626.2, NM_001328630.2); c.-4C>T (NM_001328629.1).
Identifiers: ClinVar variation 3052075 (VCV003052075.2), dbSNP rs201127652, ClinGen allele CA818019.
Genomic context (GRCh38, chr1:44,024,281, plus strand): 5'-TTCCCGCAGTCTGGCCTCTGTACTCACCAGCATCCCTTTGGCACCTTTTCCTACCATGGC[G>A]GCGGTGGGTTGGGGCTCTGGTGACGGGGACCACACTCACAGGCTCTGCTTCCAGCGCCTT-3'

ClinVar aggregate classification (germline): Likely benign (0 of 4 stars; one submission).

Conditions:
SLC6A9-related disorder. Also called: SLC6A9-related condition.

Allele frequency attached by ClinVar (database versions not stated): gnomAD exomes 0.00015; ExAC 0.00038; 1000 Genomes Project 0.00040; 1000 Genomes Project 30x 0.00047; ESP Exome Variant Server 0.00100; gnomAD 0.00105; TOPMed 0.00119.
gnomAD v4.1: 384 of 1,614,210 alleles (0.024%); highest among the groups gnomAD compares: African/African-American, 0.4%; no homozygotes.

Submission:

PreventionGenetics, part of Exact Sciences
Classification: Likely benign for SLC6A9-related condition. Last evaluated: 2020-01-20. Review status: no assertion criteria provided. Collection method: clinical testing. Allele origin: germline.
Comment: This variant is classified as likely benign based on ACMG/AMP sequence variant interpretation guidelines (Richards et al. 2015 PMID: 25741868, with internal and published modifications).